The following is an entry in ClinVar:

ClinVar aggregate classification (germline): Uncertain significance (1 of 4 stars; one submission).

Allele frequency attached by ClinVar (database versions not stated): gnomAD exomes below 0.00001.
gnomAD v4.1: 2 of 1,607,078 alleles (0.00012%); highest among the groups gnomAD compares: Non-Finnish European, 0.00017%; no homozygotes.

Submission:

Labcorp Genetics (formerly Invitae), Labcorp
Classification: Uncertain significance. Last evaluated: 2024-08-01. Review status: criteria provided, single submitter. Criteria: Invitae Variant Classification Sherloc (09022015). Collection method: clinical testing. Allele origin: germline.
Comment: This sequence change replaces glycine, which is neutral and non-polar, with valine, which is neutral and non-polar, at codon 30 of the FSCN2 protein (p.Gly30Val). This variant is not present in population databases (gnomAD no frequency). This variant has not been reported in the literature in individuals affected with FSCN2-related conditions. ClinVar contains an entry for this variant (Variation ID: 2114581). An algorithm developed to predict the effect of missense changes on protein structure and function (PolyPhen-2) suggests that this variant is likely to be disruptive. In summary, the available evidence is currently insufficient to determine the role of this variant in disease. Therefore, it has been classified as a Variant of Uncertain Significance.

NM_012418.4(FSCN2):c.89G>T (p.Gly30Val)

Gene: FSCN2 (fascin actin-bundling protein 2, retinal; plus strand). Cytogenetic location: 17q25.3.
Variant type: single nucleotide variant.
Coding change: c.89G>T on transcript NM_012418.4 (MANE Select); coding-DNA position 89, G replaced by T.
Protein change: p.Gly30Val; replaces glycine 30 with valine.
Molecular consequence: missense variant.
Genome position (GRCh38, 1-based): chr17:81,528,620, G>T. VCF-style: chr17-81528620-G-T. GRCh37 (hg19) VCF-style: chr17-79495646-G-T.
Other names: c.89G>T, p.Gly30Val (NM_001077182.3); short protein forms G30V.
Identifiers: ClinVar variation 2114581 (VCV002114581.4), dbSNP rs2544423865, ClinGen allele CA401469623.